The following is an entry in ClinVar:

ClinVar aggregate classification (germline): Conflicting classifications of pathogenicity. Review status: criteria provided, conflicting classifications (1 of 4 stars). 2 submissions from 2 submitters: Uncertain significance (1); Likely benign (1). Last evaluated 2025-11-01.

Conditions:
Distal hereditary motor neuropathy type 2. Identifiers: Orphanet 139525, MedGen C3711384, MeSH C580044, MONDO:0015352.

gnomAD v4.1: 10 of 1,613,424 alleles (0.00062%); highest among the groups gnomAD compares: Non-Finnish European, 0.00085%; no homozygotes.

Submissions (2):

Mayo Clinic Laboratories, Mayo Clinic
Classification: Likely benign. Last evaluated: 2025-11-01. Review status: criteria provided, single submitter. Criteria: ACMG Guidelines, 2015. Collection method: clinical testing. Allele origin: germline. Observed: 1 variant allele.
Comment: BS2, BP4

Labcorp Genetics (formerly Invitae), Labcorp
Classification: Uncertain significance for Distal hereditary motor neuropathy type 2. Last evaluated: 2025-10-18. Review status: criteria provided, single submitter. Criteria: Invitae Variant Classification Sherloc (09022015). Collection method: clinical testing. Allele origin: germline.
Comment: This sequence change replaces valine, which is neutral and non-polar, with alanine, which is neutral and non-polar, at codon 572 of the FBXO38 protein (p.Val572Ala). This variant is present in population databases (no rsID available, gnomAD 0.0009%). This variant has not been reported in the literature in individuals affected with FBXO38-related conditions. Invitae Evidence Modeling of protein sequence and biophysical properties (such as structural, functional, and spatial information, amino acid conservation, physicochemical variation, residue mobility, and thermodynamic stability) indicates that this missense variant is not expected to disrupt FBXO38 protein function with a negative predictive value of 80%. In summary, the available evidence is currently insufficient to determine the role of this variant in disease. Therefore, it has been classified as a Variant of Uncertain Significance.

NM_205836.3(FBXO38):c.1715T>C (p.Val572Ala)

Gene: FBXO38 (F-box protein 38; plus strand). Cytogenetic location: 5q32.
Variant type: single nucleotide variant.
Coding change: c.1715T>C on transcript NM_205836.3 (MANE Select); coding-DNA position 1715, T replaced by C.
Protein change: p.Val572Ala; replaces valine 572 with alanine.
Molecular consequence: missense variant.
Genome position (GRCh38, 1-based): chr5:148,424,094, T>C. VCF-style: chr5-148424094-T-C. GRCh37 (hg19) VCF-style: chr5-147803657-T-C.
Other names: p.Val572Ala; c.1715T>C, p.Val572Ala (NM_001271723.2, NM_030793.5); short protein forms V572A.
Identifiers: ClinVar variation 4684865 (VCV004684865.2).